The following is an entry in ClinVar:

ClinVar aggregate classification (germline): Uncertain significance (1 of 4 stars; one submission).

Conditions:
Primary ciliary dyskinesia 33. Also called: CILIARY DYSKINESIA, PRIMARY, 33, WITHOUT SITUS INVERSUS. Identifiers: Orphanet 244, MedGen C4225230, MONDO:0014750, OMIM 616726.

Allele frequency attached by ClinVar (database versions not stated): gnomAD 0.00001; TOPMed 0.00002.
gnomAD v4.1: 12 of 1,613,468 alleles (0.00074%); highest among the groups gnomAD compares: Admixed American, 0.0017%; no homozygotes.

Submission:

Labcorp Genetics (formerly Invitae), Labcorp
Classification: Uncertain significance for Primary ciliary dyskinesia 33. Last evaluated: 2023-02-09. Review status: criteria provided, single submitter. Criteria: Invitae Variant Classification Sherloc (09022015). Collection method: clinical testing. Allele origin: germline.
Comment: This variant has not been reported in the literature in individuals affected with GAS8-related conditions. ClinVar contains an entry for this variant (Variation ID: 852861). Advanced modeling of protein sequence and biophysical properties (such as structural, functional, and spatial information, amino acid conservation, physicochemical variation, residue mobility, and thermodynamic stability) performed at Invitae indicates that this missense variant is not expected to disrupt GAS8 protein function. In summary, the available evidence is currently insufficient to determine the role of this variant in disease. Therefore, it has been classified as a Variant of Uncertain Significance. This variant is present in population databases (rs757384283, gnomAD 0.002%). This sequence change replaces glutamic acid, which is acidic and polar, with lysine, which is basic and polar, at codon 301 of the GAS8 protein (p.Glu301Lys).

NM_001481.3(DRC4):c.901G>A (p.Glu301Lys)

Gene: DRC4 (dynein regulatory complex subunit 4; plus strand). Cytogenetic location: 16q24.3.
Variant type: single nucleotide variant.
Coding change: c.901G>A on transcript NM_001481.3 (MANE Select); coding-DNA position 901, G replaced by A.
Protein change: p.Glu301Lys; replaces glutamic acid 301 with lysine.
Molecular consequence: missense variant.
Genome position (GRCh38, 1-based): chr16:90,037,376, G>A. VCF-style: chr16-90037376-G-A. GRCh37 (hg19) VCF-style: chr16-90103784-G-A.
Other names: c.652G>A, p.Glu218Lys (NM_001286205.2); c.325G>A, p.Glu109Lys (NM_001286208.2); c.826G>A, p.Glu276Lys (NM_001286209.2); short protein forms E276K, E218K, E109K, E301K.
Identifiers: ClinVar variation 852861 (VCV000852861.9), dbSNP rs757384283, ClinGen allele CA8258012.